The following is an entry in ClinVar:

NM_015331.3(NCSTN):c.1286G>A (p.Arg429Gln)

Gene: NCSTN (nicastrin; plus strand). Cytogenetic location: 1q23.2.
Variant type: single nucleotide variant.
Coding change: c.1286G>A on transcript NM_015331.3 (MANE Select); coding-DNA position 1286, G replaced by A.
Protein change: p.Arg429Gln; replaces arginine 429 with glutamine.
Molecular consequence: missense variant.
Genome position (GRCh38, 1-based): chr1:160,354,224, G>A. VCF-style: chr1-160354224-G-A. GRCh37 (hg19) VCF-style: chr1-160324014-G-A.
Other names: c.1226G>A, p.Arg409Gln (NM_001290184.2); c.872G>A, p.Arg291Gln (NM_001290186.2); c.1286G>A, p.Arg429Gln (NM_001349729.2); short protein forms R409Q, R429Q, R291Q.
Identifiers: ClinVar variation 1432890 (VCV001432890.8), dbSNP rs1413058091, ClinGen allele CA343281549.
Genomic context (GRCh38, chr1:160,354,224, plus strand): 5'-CTGCTGTCATCCTCAGGAGGCCAAATCAGTCCCAGCCTCTCCCACCATCTTCCCTGCAGC[G>A]ATTTCTTCGAGCTCGAAACATCTCTGGCGTTGTTCTGGCTGACCACTCTGGTGCCTTCCA-3'
Protein context (NP_056146.1, residues 419-439): SQPLPPSSLQ[Arg429Gln]FLRARNISGV

ClinVar aggregate classification (germline): Uncertain significance (1 of 4 stars; one submission).

Allele frequency attached by ClinVar (database versions not stated): gnomAD exomes below 0.00001; TOPMed 0.00001.
gnomAD v4.1: 6 of 1,614,140 alleles (0.00037%); highest among the groups gnomAD compares: Middle Eastern, 0.033%; no homozygotes.

Submission:

Labcorp Genetics (formerly Invitae), Labcorp
Classification: Uncertain significance. Last evaluated: 2021-03-26. Review status: criteria provided, single submitter. Criteria: Invitae Variant Classification Sherloc (09022015). Collection method: clinical testing. Allele origin: germline.
Comment: In summary, the available evidence is currently insufficient to determine the role of this variant in disease. Therefore, it has been classified as a Variant of Uncertain Significance. This sequence change replaces arginine with glutamine at codon 429 of the NCSTN protein (p.Arg429Gln). The arginine residue is highly conserved and there is a small physicochemical difference between arginine and glutamine. This variant is not present in population databases (ExAC no frequency). This variant has not been reported in the literature in individuals with NCSTN-related conditions. Algorithms developed to predict the effect of missense changes on protein structure and function are either unavailable or do not agree on the potential impact of this missense change (SIFT: "Tolerated"; PolyPhen-2: "Possibly Damaging"; Align-GVGD: "Class C0").